The following is an entry in ClinVar:

ClinVar aggregate classification (germline): Uncertain significance (1 of 4 stars; one submission).

Conditions:
Inborn genetic diseases. Identifiers: MedGen C0950123, MeSH D030342.

Submission:

Ambry Genetics
Classification: Uncertain significance for Inborn genetic diseases. Last evaluated: 2025-08-31. Review status: criteria provided, single submitter. Criteria: Ambry Variant Classification Scheme 2023. Collection method: clinical testing. Allele origin: germline.
Comment: The p.F141S variant (also known as c.422T>C), located in coding exon 3 of the MBD4 gene, results from a T to C substitution at nucleotide position 422. The phenylalanine at codon 141 is replaced by serine, an amino acid with highly dissimilar properties. This amino acid position is conserved. In addition, this alteration is predicted to be deleterious by in silico analysis. Based on the available evidence, the clinical significance of this variant remains unclear.

NM_001276270.2(MBD4):c.422T>C (p.Phe141Ser)

Gene: MBD4 (methyl-CpG binding domain 4, DNA glycosylase; minus strand). Cytogenetic location: 3q21.3.
Variant type: single nucleotide variant.
Coding change: c.422T>C on transcript NM_001276270.2 (MANE Select); coding-DNA position 422, T replaced by C.
Protein change: p.Phe141Ser; replaces phenylalanine 141 with serine.
Molecular consequence: missense variant. On other transcripts: intron variant (1).
Genome position (GRCh38, 1-based): chr3:129,437,222, A>G on the plus strand (T>C on the coding strand, the complement: MBD4 is on the minus strand). VCF-style: chr3-129437222-A-G. GRCh37 (hg19) VCF-style: chr3-129156065-A-G.
Other names: c.422T>C, p.Phe141Ser (NM_001276271.2, NM_001276272.2, NM_003925.3); c.247+586T>C (NM_001276273.2); short protein forms F141S.
Identifiers: ClinVar variation 4104670 (VCV004104670.1).